The following is an entry in ClinVar:

NM_020318.3(PAPPA2):c.1013TCT[2] (p.Phe340del)

Gene: PAPPA2 (pappalysin 2; plus strand). Cytogenetic location: 1q25.2.
Variant type: Microsatellite.
Coding change: c.1013TCT[2] on transcript NM_020318.3 (MANE Select); two copies in a row of the 3-base unit TCT starting at c.1013; the reference has three copies in a row; one copy, 3 bases deleted; also written c.1019_1021del.
Protein change: p.Phe340del; deletes phenylalanine 340.
Molecular consequence: inframe deletion.
Genome position (GRCh38, 1-based): chr1:176,594,623-176,594,625, TCT deleted; deleting any 3 consecutive bases within chr1:176,594,615-176,594,625 gives the same sequence; the position shown is the placement nearest the transcript's 3' end. VCF-style (leftmost placement, unchanged base first): chr1-176594614-GCTT-G. GRCh37 (hg19) VCF-style: chr1-176563750-GCTT-G.
Other names: c.1013TCT[2], p.Phe340del (NM_021936.3); c.1019_1021delTCT (NM_020318.2); c.1019_1021del (NM_020318.2); short protein forms F340del.
Identifiers: ClinVar variation 1339832 (VCV001339832.3), dbSNP rs773901878, ClinGen allele CA1257223.
Genomic context (GRCh38, chr1:176,594,614, plus strand): 5'-GTGACAAAGGCTGGGCCCTGGGGATCCGCTCAGGGAAGGACAAGGGAAAGCGGGATGCTC[GCTT>G]CTTCTTCTCCCTCTGCACCGACCGCGTGAAGAAAGCCACCATCTTGATTAGCCACAGTCG-3'

ClinVar aggregate classification (germline): Likely pathogenic (1 of 4 stars; one submission).

Submission:

GeneDx
Classification: Likely pathogenic. Last evaluated: 2026-04-04. Review status: criteria provided, single submitter. Criteria: GeneDx Variant Classification Process June 2021. Collection method: clinical testing. Allele origin: germline.
Comment: In-frame deletion of 1 amino acid(s) in a non-repeat region; In silico analysis supports a deleterious effect on protein structure/function; Has not been previously published as pathogenic or benign to our knowledge; Not observed at significant frequency in large population cohorts (gnomAD)